The following is an entry in ClinVar:

ClinVar aggregate classification (germline): Pathogenic/Likely pathogenic. Review status: criteria provided, multiple submitters, no conflicts (2 of 4 stars). 2 submissions from 2 submitters: Pathogenic (1); Likely pathogenic (1). Last evaluated 2022-05-11.

Conditions:
Cardiomyopathy (CMYO). Also called: Cardiomyopathies. Identifiers: Orphanet 167848, MedGen C0878544, MONDO:0004994, HP:0001638. Inheritance: Various modes of inheritance.
Cardiovascular phenotype. Identifiers: MedGen CN230736.

Allele frequency attached by ClinVar (database versions not stated): gnomAD exomes below 0.00001.
gnomAD v4.1: 1 of 1,614,116 alleles (0.000062%); highest among the groups gnomAD compares: Non-Finnish European, 0.000085%; no homozygotes.

Submissions (2):

Ambry Genetics
Classification: Pathogenic for Cardiovascular phenotype. Last evaluated: 2022-05-11. Review status: criteria provided, single submitter. Criteria: Ambry Variant Classification Scheme 2023. Collection method: clinical testing. Allele origin: germline.
Comment: The p.Q412* pathogenic mutation (also known as c.1234C>T), located in coding exon 5 of the PKP2 gene, results from a C to T substitution at nucleotide position 1234. This changes the amino acid from a glutamine to a stop codon within coding exon 5. This variant has been detected in an individual with arrhythmogenic right ventricular cardiomyopathy (Hermida A et al. Eur J Heart Fail, 2019 06;21:792-800). This variant is considered to be rare based on population cohorts in the Genome Aggregation Database (gnomAD). In addition to the clinical data presented in the literature, this alteration is expected to result in loss of function by premature protein truncation or nonsense-mediated mRNA decay. As such, this alteration is interpreted as a disease-causing mutation.

CHEO Genetics Diagnostic Laboratory, Children's Hospital of Eastern Ontario
Classification: Likely pathogenic for Cardiomyopathy. Last evaluated: 2015-10-22. Review status: criteria provided, single submitter. Criteria: ACMG Guidelines, 2015. Collection method: clinical testing. Allele origin: germline. Study: Canadian Open Genetics Repository.

Literature cited by the submitters: PubMed 30790397 (cited by Ambry Genetics).

NM_001005242.3(PKP2):c.1234C>T (p.Gln412Ter)

Gene: PKP2 (plakophilin 2; minus strand). Cytogenetic location: 12p11.21.
Variant type: single nucleotide variant.
Coding change: c.1234C>T on transcript NM_001005242.3 (MANE Select); coding-DNA position 1234, C replaced by T.
Protein change: p.Gln412Ter; replaces glutamine 412 with a stop codon.
Molecular consequence: nonsense.
Genome position (GRCh38, 1-based): chr12:32,850,910, G>A on the plus strand (C>T on the coding strand, the complement: PKP2 is on the minus strand). VCF-style: chr12-32850910-G-A. GRCh37 (hg19) VCF-style: chr12-33003844-G-A.
Other names: c.1234C>T, p.Gln412Ter (NM_004572.4); short protein forms Q412*.
Identifiers: ClinVar variation 626804 (VCV000626804.4), dbSNP rs1565590309, ClinGen allele CA384370635.